The following is an entry in ClinVar:

ClinVar aggregate classification (germline): Uncertain significance (1 of 4 stars; one submission).

Conditions:
Muscular dystrophy-dystroglycanopathy (congenital with brain and eye anomalies), type a, 8 (MDDGA8). Also called: WALKER-WARBURG SYNDROME OR MUSCLE-EYE-BRAIN DISEASE, GTDC2-RELATED. Identifiers: Orphanet 899, MedGen C3553813, MONDO:0013904, OMIM 614830.

Allele frequency attached by ClinVar (database versions not stated): gnomAD 0.00001; gnomAD exomes 0.00001; TOPMed 0.00002; ExAC 0.00004.
gnomAD v4.1: 18 of 1,613,970 alleles (0.0011%); highest among the groups gnomAD compares: East Asian, 0.013%; no homozygotes.

Submission:

Labcorp Genetics (formerly Invitae), Labcorp
Classification: Uncertain significance for Muscular dystrophy-dystroglycanopathy (congenital with brain and eye anomalies), type a, 8. Last evaluated: 2024-04-18. Review status: criteria provided, single submitter. Criteria: Invitae Variant Classification Sherloc (09022015). Collection method: clinical testing. Allele origin: germline.
Comment: This sequence change replaces glutamic acid, which is acidic and polar, with lysine, which is basic and polar, at codon 188 of the POMGNT2 protein (p.Glu188Lys). This variant is present in population databases (rs774240001, gnomAD 0.02%). This variant has not been reported in the literature in individuals affected with POMGNT2-related conditions. ClinVar contains an entry for this variant (Variation ID: 2048437). Advanced modeling of protein sequence and biophysical properties (such as structural, functional, and spatial information, amino acid conservation, physicochemical variation, residue mobility, and thermodynamic stability) performed at Invitae indicates that this missense variant is not expected to disrupt POMGNT2 protein function with a negative predictive value of 80%. In summary, the available evidence is currently insufficient to determine the role of this variant in disease. Therefore, it has been classified as a Variant of Uncertain Significance.

NM_032806.6(POMGNT2):c.562G>A (p.Glu188Lys)

Gene: POMGNT2 (protein O-linked mannose N-acetylglucosaminyltransferase 2 (beta 1,4-); minus strand). Cytogenetic location: 3p22.1.
Variant type: single nucleotide variant.
Coding change: c.562G>A on transcript NM_032806.6 (MANE Select); coding-DNA position 562, G replaced by A.
Protein change: p.Glu188Lys; replaces glutamic acid 188 with lysine.
Molecular consequence: missense variant.
Genome position (GRCh38, 1-based): chr3:43,080,870, C>T on the plus strand (G>A on the coding strand, the complement: POMGNT2 is on the minus strand). VCF-style: chr3-43080870-C-T. GRCh37 (hg19) VCF-style: chr3-43122362-C-T.
Other names: short protein forms E188K.
Identifiers: ClinVar variation 2048437 (VCV002048437.2), dbSNP rs774240001, ClinGen allele CA2340041.